The following is an entry in ClinVar:

ClinVar aggregate classification (germline): Uncertain significance. Review status: criteria provided, multiple submitters, no conflicts (2 of 4 stars). 2 submissions from 2 submitters: Uncertain significance (2). Last evaluated 2026-07-07.

Conditions:
Multiple endocrine neoplasia, type 2 (MEN2). Identifiers: Orphanet 653, MedGen C4048306, MONDO:0019003. Disease mechanism: gain of function.
Hereditary cancer-predisposing syndrome. Also called: Hereditary neoplastic syndrome; Neoplastic Syndromes, Hereditary; Tumor predisposition; Hereditary Cancer Syndrome. Identifiers: Orphanet 140162, MedGen C0027672, MeSH D009386, MONDO:0015356.

Submissions (2):

Ambry Genetics
Classification: Uncertain significance for Hereditary cancer-predisposing syndrome. Last evaluated: 2026-07-07. Review status: criteria provided, single submitter. Criteria: Ambry Variant Classification Scheme 2023. Collection method: clinical testing. Allele origin: germline.
Comment: The p.V245L variant (also known as c.733G>T), located in coding exon 4 of the RET gene, results from a G to T substitution at nucleotide position 733. The valine at codon 245 is replaced by leucine, an amino acid with highly similar properties. This amino acid position is conserved. In addition, this alteration is predicted to be tolerated by in silico analysis. Based on the available evidence, the clinical significance of this variant remains unclear.

Labcorp Genetics (formerly Invitae), Labcorp
Classification: Uncertain significance for Multiple endocrine neoplasia, type 2. Last evaluated: 2022-09-21. Review status: criteria provided, single submitter. Criteria: Invitae Variant Classification Sherloc (09022015). Collection method: clinical testing. Allele origin: germline.
Comment: In summary, the available evidence is currently insufficient to determine the role of this variant in disease. Therefore, it has been classified as a Variant of Uncertain Significance. Algorithms developed to predict the effect of missense changes on protein structure and function (SIFT, PolyPhen-2, Align-GVGD) all suggest that this variant is likely to be tolerated. This variant has not been reported in the literature in individuals affected with RET-related conditions. This variant is not present in population databases (gnomAD no frequency). This sequence change replaces valine, which is neutral and non-polar, with leucine, which is neutral and non-polar, at codon 245 of the RET protein (p.Val245Leu).

NM_020975.6(RET):c.733G>T (p.Val245Leu)

Gene: RET (ret proto-oncogene; plus strand). Cytogenetic location: 10q11.21.
Variant type: single nucleotide variant.
Coding change: c.733G>T on transcript NM_020975.6 (MANE Select); coding-DNA position 733, G replaced by T.
Protein change: p.Val245Leu; replaces valine 245 with leucine.
Molecular consequence: missense variant.
Genome position (GRCh38, 1-based): chr10:43,105,059, G>T. VCF-style: chr10-43105059-G-T. GRCh37 (hg19) VCF-style: chr10-43600507-G-T.
Other names: c.733G>T, p.Val245Leu (NM_000323.2, NM_001406743.1, NM_001406744.1 and 8 more transcripts); c.-30G>T (NM_001355216.2); c.604G>T, p.Val202Leu (NM_001406761.1, NM_001406762.1, NM_001406764.1 and 2 more transcripts); c.445G>T, p.Val149Leu (NM_001406766.1, NM_001406767.1, NM_001406770.1); short protein forms V245L, V149L, V202L.
Identifiers: ClinVar variation 1985140 (VCV001985140.5), dbSNP rs1837733068, ClinGen allele CA376544794.